The following is an entry in ClinVar:

ClinVar aggregate classification (germline): Benign. Review status: reviewed by expert panel (3 of 4 stars). 2 submissions from 2 submitters: Benign (1). 1 of the submissions does not count toward it. Last evaluated 2015-01-12.

Conditions:
Breast-ovarian cancer, familial, susceptibility to, 1 (BROVCA1). Also called: BRCA1 Hereditary Breast and Ovarian Cancer; OVARIAN CANCER, SUSCEPTIBILITY TO. Identifiers: Orphanet 145, MedGen C2676676, MONDO:0011450, OMIM 604370. Disease mechanism: loss of function.

Allele frequency attached by ClinVar (database versions not stated): gnomAD 0.09207 and 0.09934; 1000 Genomes Project 0.29073.
gnomAD v4.1: 6,055 of 61,456 alleles (9.9%); highest among the groups gnomAD compares: South Asian, 23%; 928 homozygotes.

Submissions (2):

Evidence-based Network for the Interpretation of Germline Mutant Alleles (ENIGMA)
Classification: Benign for Breast-ovarian cancer, familial 1. Last evaluated: 2015-01-12. Review status: reviewed by expert panel. Criteria: ENIGMA BRCA1/2 Classification Criteria (2015). Collection method: curation. Allele origin: germline.
Comment: Class 1 not pathogenic based on frequency >1% in an outbred sampleset. Frequency 0.08741 (Asian), 0.09553 (African), 0.1675 (European), derived from 1000 genomes (2012-04-30).

Breakthrough Genomics
Classification: Benign. Review status: criteria provided, single submitter. Criteria: ACMG Guidelines, 2015. Collection method: not provided. Allele origin: germline. Inheritance: Autosomal recessive inheritance. Affected: yes. Not counted in ClinVar's aggregate classification.

NM_007294.4(BRCA1):c.442-715A>T

Gene: BRCA1 (BRCA1 DNA repair associated; minus strand). Cytogenetic location: 17q21.31.
Variant type: single nucleotide variant.
Coding change: c.442-715A>T on transcript NM_007294.4 (MANE Select); 715 bases into the intron before coding-DNA position 442, A replaced by T.
Molecular consequence: intron variant.
Genome position (GRCh38, 1-based): chr17:43,100,595, T>A on the plus strand (A>T on the coding strand, the complement: BRCA1 is on the minus strand). VCF-style: chr17-43100595-T-A. GRCh37 (hg19) VCF-style: chr17-41252612-T-A.
Other names: IVS 7-715A>T; c.301-715A>T (NM_001408458.1, NM_001407922.1, NM_001408469.1 and 61 more transcripts); c.-218-5735A>T (NM_001407967.1, NM_001407966.1); c.61-715A>T (NM_001407959.1, NM_001408512.1, NM_001408510.1 and 3 more transcripts); c.301-718A>T (NM_001407931.1, NM_001407747.1, NM_001408470.1 and 35 more transcripts); c.61-718A>T (NM_001407962.1); c.232-715A>T (NM_001407885.1, NM_001407886.1, NM_001407881.1 and 37 more transcripts); c.442-718A>T (NM_001407686.1, NM_001408397.1, NM_001407632.1 and 65 more transcripts); and 6 more.
Identifiers: ClinVar variation 209471 (VCV000209471.3), dbSNP rs10445317, ClinGen allele CA276441.